The following is an entry in ClinVar:

ClinVar aggregate classification (germline): Uncertain significance (1 of 4 stars; one submission).

Conditions:
Hereditary diffuse leukoencephalopathy with spheroids. Also called: LEUKOENCEPHALOPATHY, ADULT-ONSET, WITH AXONAL SPHEROIDS AND PIGMENTED GLIA. Identifiers: Orphanet 313808, MedGen C3711381, MONDO:0030796.

Submission:

3billion
Classification: Uncertain significance for Leukoencephalopathy, diffuse hereditary, with spheroids 1. Last evaluated: 2022-01-03. Review status: criteria provided, single submitter. Criteria: ACMG Guidelines, 2015. Collection method: clinical testing. Allele origin: germline. Affected: yes. Observed: 1 heterozygote.
Comment: IA different missense change at the same codon (p.Glu633Lys) has been reported to be associated with CSF1R related disorder (ClinVar ID: VCV000029811, PM5_M). It is not observed in the gnomAD v2.1.1 dataset (PM2_M). In silico tool predictions suggest damaging effect of the variant on gene or gene product (REVEL: 0.981, PP3_P). Therefore, this variant is classified as uncertain significance according to the recommendation of ACMG/AMP guideline.

NM_001288705.3(CSF1R):c.1898A>G (p.Glu633Gly)

Gene: CSF1R (colony stimulating factor 1 receptor; minus strand). Cytogenetic location: 5q32.
Variant type: single nucleotide variant.
Coding change: c.1898A>G on transcript NM_001288705.3 (MANE Select); coding-DNA position 1898, A replaced by G.
Protein change: p.Glu633Gly; replaces glutamic acid 633 with glycine.
Molecular consequence: missense variant. On other transcripts: non-coding transcript variant (2).
Genome position (GRCh38, 1-based): chr5:150,060,933, T>C on the plus strand (A>G on the coding strand, the complement: CSF1R is on the minus strand). VCF-style: chr5-150060933-T-C. GRCh37 (hg19) VCF-style: chr5-149440496-T-C.
Other names: c.1898A>G, p.Glu633Gly (NM_001349736.2, NM_001375320.1, NM_005211.4); c.1454A>G, p.Glu485Gly (NM_001375321.1); short protein forms E485G, E633G.
Identifiers: ClinVar variation 1333314 (VCV001333314.1), dbSNP rs2113790136, ClinGen allele CA361713883.